The following is an entry in ClinVar:

ClinVar aggregate classification (germline): Uncertain significance (1 of 4 stars; one submission).

Conditions:
Pterin-4 alpha-carbinolamine dehydratase 1 deficiency. Also called: Hyperphenylalaninemia due to dehydratase deficiency; HYPERPHENYLALANINEMIA WITH PRIMAPTERINURIA; HYPERPHENYLALANINEMIA, TETRAHYDROBIOPTERIN-DEFICIENT, DUE TO PTERIN-4-ALPHA-CARBINOLAMINE DEHYDRATASE DEFICIENCY; CADH DEFICIENCY. Identifiers: Orphanet 1578, Orphanet 238583, MedGen C1849700, MONDO:0009908, OMIM 264070.

Allele frequency attached by ClinVar (database versions not stated): gnomAD exomes below 0.00001; TOPMed below 0.00001.
gnomAD v4.1: 4 of 1,614,148 alleles (0.00025%); highest among the groups gnomAD compares: Non-Finnish European, 0.00034%; no homozygotes.

Submission:

Labcorp Genetics (formerly Invitae), Labcorp
Classification: Uncertain significance for Pterin-4 alpha-carbinolamine dehydratase 1 deficiency. Last evaluated: 2022-10-03. Review status: criteria provided, single submitter. Criteria: Invitae Variant Classification Sherloc (09022015). Collection method: clinical testing. Allele origin: germline.
Comment: In summary, the available evidence is currently insufficient to determine the role of this variant in disease. Therefore, it has been classified as a Variant of Uncertain Significance. Algorithms developed to predict the effect of missense changes on protein structure and function (SIFT, PolyPhen-2, Align-GVGD) all suggest that this variant is likely to be tolerated. This variant has not been reported in the literature in individuals affected with PCBD1-related conditions. This variant is not present in population databases (gnomAD no frequency). This sequence change replaces isoleucine, which is neutral and non-polar, with valine, which is neutral and non-polar, at codon 96 of the PCBD1 protein (p.Ile96Val).

NM_000281.4(PCBD1):c.286A>G (p.Ile96Val)

Gene: PCBD1 (pterin-4 alpha-carbinolamine dehydratase 1; minus strand). Cytogenetic location: 10q22.1.
Variant type: single nucleotide variant.
Coding change: c.286A>G on transcript NM_000281.4 (MANE Select); coding-DNA position 286, A replaced by G.
Protein change: p.Ile96Val; replaces isoleucine 96 with valine.
Molecular consequence: missense variant. On other transcripts: intron variant (1).
Genome position (GRCh38, 1-based): chr10:70,883,979, T>C on the plus strand (A>G on the coding strand, the complement: PCBD1 is on the minus strand). VCF-style: chr10-70883979-T-C. GRCh37 (hg19) VCF-style: chr10-72643736-T-C.
Other names: c.139A>G, p.Ile47Val (NM_001289797.2); c.216+1173A>G (NM_001323004.2); short protein forms I96V, I47V.
Identifiers: ClinVar variation 2046343 (VCV002046343.2), dbSNP rs1846540054, ClinGen allele CA377127197.